The following is an entry in ClinVar:

ClinVar aggregate classification (germline): Pathogenic (1 of 4 stars; one submission).

Conditions:
Pontocerebellar hypoplasia type 1A (PCH1A). Also called: PONTOCEREBELLAR HYPOPLASIA WITH ANTERIOR HORN CELL DISEASE; PONTOCEREBELLAR HYPOPLASIA WITH INFANTILE SPINAL MUSCULAR ATROPHY. Identifiers: Orphanet 2254, Orphanet 88616, MedGen C1843504, MONDO:0011866, OMIM 607596.

Submission:

Myriad Genetics, Inc.
Classification: Pathogenic for Pontocerebellar hypoplasia type 1A. Last evaluated: 2024-07-21. Review status: criteria provided, single submitter. Criteria: Myriad Autosomal Dominant, Autosomal Recessive and X-Linked Classification Criteria (2023). Collection method: clinical testing. Allele origin: unknown.
Comment: NM_003384.2(VRK1):c.163dupG(D55Gfs*11) is expected to be pathogenic in the context of pontocerebellar hypoplasia, VRK1-related. This variant is predicted to lead to an abnormal or absent protein product due to the creation of a premature termination codon in VRK1, a gene where loss-of-function variants are known to be pathogenic. Please note: this variant was assessed in the context of healthy population screening.

NM_003384.3(VRK1):c.163dup (p.Asp55fs)

Gene: VRK1 (VRK serine/threonine kinase 1; plus strand). Cytogenetic location: 14q32.2.
Variant type: Duplication.
Coding change: c.163dup on transcript NM_003384.3 (MANE Select); coding-DNA position 163, one base duplicated (G; older notation c.163dupG).
Protein change: p.Asp55fs; shifts the reading frame from aspartic acid 55.
Molecular consequence: frameshift variant.
Genome position (GRCh38, 1-based): chr14:96,837,764, G duplicated. VCF-style (leftmost placement, unchanged base first): chr14-96837763-T-TG. GRCh37 (hg19) VCF-style: chr14-97304100-T-TG.
Other names: c.163dup, p.Asp55fs (NM_001411051.1, NM_001411053.1); short protein forms D55fs.
Identifiers: ClinVar variation 5013342 (VCV005013342.1).